The following is an entry in ClinVar:

ClinVar aggregate classification (germline): Uncertain significance. Review status: criteria provided, multiple submitters, no conflicts (2 of 4 stars). 2 submissions from 2 submitters: Uncertain significance (2). Last evaluated 2026-01-06.

Conditions:
Familial thoracic aortic aneurysm and aortic dissection (TAAD). Also called: Thoracic aortic aneurysms and dissections. Identifiers: Orphanet 91387, MedGen C4707243, MONDO:0019625.

Allele frequency attached by ClinVar (database versions not stated): gnomAD exomes below 0.00001; TOPMed below 0.00001.
gnomAD v4.1: 1 of 1,614,134 alleles (0.000062%); highest among the groups gnomAD compares: Non-Finnish European, 0.000085%; no homozygotes.

Submissions (2):

Labcorp Genetics (formerly Invitae), Labcorp
Classification: Uncertain significance for Familial thoracic aortic aneurysm and aortic dissection. Last evaluated: 2026-01-06. Review status: criteria provided, single submitter. Criteria: Invitae Variant Classification Sherloc (09022015). Collection method: clinical testing. Allele origin: germline.
Comment: This sequence change replaces asparagine, which is neutral and polar, with serine, which is neutral and polar, at codon 150 of the TGFBR1 protein (p.Asn150Ser). This variant is not present in population databases (gnomAD no frequency). This variant has not been reported in the literature in individuals affected with TGFBR1-related conditions. ClinVar contains an entry for this variant (Variation ID: 629783). Invitae Evidence Modeling of protein sequence and biophysical properties (such as structural, functional, and spatial information, amino acid conservation, physicochemical variation, residue mobility, and thermodynamic stability) indicates that this missense variant is not expected to disrupt TGFBR1 protein function with a negative predictive value of 95%. Algorithms developed to predict the effect of sequence changes on RNA splicing suggest that this variant may create or strengthen a splice site. In summary, the available evidence is currently insufficient to determine the role of this variant in disease. Therefore, it has been classified as a Variant of Uncertain Significance.

Color Diagnostics, LLC DBA Color Health
Classification: Uncertain significance for Familial thoracic aortic aneurysm and aortic dissection. Last evaluated: 2023-12-04. Review status: criteria provided, single submitter. Criteria: ACMG Guidelines, 2015. Collection method: clinical testing. Allele origin: germline.
Comment: Variant of Uncertain Significance due to insufficient evidence: This missense variant is located in the cytoplasmic domain of the TGFBR1 protein. Computational prediction tools and conservation analyses are inconclusive regarding the impact of this variant on the protein function. Computational splicing tools suggest that this variant may impact RNA splicing. To our knowledge, functional assays have not been performed for this variant nor has this variant been reported in individuals affected with cardiovascular disorders in the literature. This variant is rare in the general population and has been identified in 0/277264 chromosomes by the Genome Aggregation Database (gnomAD). Available evidence is insufficient to determine the pathogenicity of this variant conclusively.

NM_004612.4(TGFBR1):c.449A>G (p.Asn150Ser)

Gene: TGFBR1 (transforming growth factor beta receptor 1; plus strand). Cytogenetic location: 9q22.33.
Variant type: single nucleotide variant.
Coding change: c.449A>G on transcript NM_004612.4 (MANE Select); coding-DNA position 449, A replaced by G.
Protein change: p.Asn150Ser; replaces asparagine 150 with serine.
Molecular consequence: missense variant. On other transcripts: intron variant (1).
Genome position (GRCh38, 1-based): chr9:99,132,614, A>G. VCF-style: chr9-99132614-A-G. GRCh37 (hg19) VCF-style: chr9-101894896-A-G.
Other names: c.461A>G, p.Asn154Ser (NM_001306210.2); c.343+3514A>G (NM_001130916.3); short protein forms N150S, N154S.
Identifiers: ClinVar variation 629783 (VCV000629783.11), dbSNP rs945370154, ClinGen allele CA196885598.